The following is an entry in ClinVar:

NM_000321.3(RB1):c.156_164del (p.Glu53_Pro55del)

Gene: RB1 (RB transcriptional corepressor 1; plus strand). Cytogenetic location: 13q14.2.
Variant type: Deletion.
Coding change: c.156_164del on transcript NM_000321.3 (MANE Select); coding-DNA positions 156 to 164, 9 bases deleted (AGAAGAACC; older notation c.156_164delAGAAGAACC).
Protein change: p.Glu53_Pro55del.
Molecular consequence: inframe deletion. On other transcripts: inframe indel (3).
Genome position (GRCh38, 1-based): chr13:48,307,298-48,307,306, AGAAGAACC deleted; deleting any 9 consecutive bases within chr13:48,307,297-48,307,306 gives the same sequence; the c. name uses the placement nearest the transcript's 3' end. VCF-style (leftmost placement, unchanged base first): chr13-48307296-ACAGAAGAAC-A. GRCh37 (hg19) VCF-style: chr13-48881432-ACAGAAGAAC-A.
Other names: c.156_164delAGAAGAACC, p.Glu53_Pro55del (NM_001407165.1, NM_001407166.1, NM_001407167.1).
Identifiers: ClinVar variation 1940149 (VCV001940149.5), dbSNP rs2542099891, ClinGen allele CA2580087734.

ClinVar aggregate classification (germline): Uncertain significance (1 of 4 stars; one submission).

Conditions:
Retinoblastoma (RB1). Also called: RETINOBLASTOMA, SOMATIC. Identifiers: Orphanet 790, MedGen C0035335, MeSH D012175, MONDO:0008380, OMIM 180200, HP:0009919. Disease mechanism: loss of function. Inheritance: Both sporadic and heritable forms are tested..

Submission:

Labcorp Genetics (formerly Invitae), Labcorp
Classification: Uncertain significance for Retinoblastoma. Last evaluated: 2025-01-29. Review status: criteria provided, single submitter. Criteria: Invitae Variant Classification Sherloc (09022015). Collection method: clinical testing. Allele origin: germline.
Comment: This variant, c.156_164del, results in the deletion of 3 amino acid(s) of the RB1 protein (p.Glu53_Pro55del), but otherwise preserves the integrity of the reading frame. This variant is not present in population databases (gnomAD no frequency). This variant has not been reported in the literature in individuals affected with RB1-related conditions. ClinVar contains an entry for this variant (Variation ID: 1940149). Experimental studies and prediction algorithms are not available or were not evaluated, and the functional significance of this variant is currently unknown. In summary, the available evidence is currently insufficient to determine the role of this variant in disease. Therefore, it has been classified as a Variant of Uncertain Significance.